The following is an entry in ClinVar:

ClinVar aggregate classification (germline): Uncertain significance (1 of 4 stars; one submission).

Conditions:
Gastrointestinal stromal tumor. Also called: Gastrointestinal stroma tumor; Gastrointestinal stromal tumor, somatic. Identifiers: Orphanet 44890, MedGen C0238198, MeSH D046152, MONDO:0011719, OMIM 606764, HP:0100723.

Submission:

Labcorp Genetics (formerly Invitae), Labcorp
Classification: Uncertain significance for Gastrointestinal stromal tumor. Last evaluated: 2022-09-25. Review status: criteria provided, single submitter. Criteria: Invitae Variant Classification Sherloc (09022015). Collection method: clinical testing. Allele origin: germline.
Comment: This sequence change replaces isoleucine, which is neutral and non-polar, with asparagine, which is neutral and polar, at codon 1070 of the PDGFRA protein (p.Ile1070Asn). This variant is not present in population databases (gnomAD no frequency). This variant has not been reported in the literature in individuals affected with PDGFRA-related conditions. Algorithms developed to predict the effect of missense changes on protein structure and function are either unavailable or do not agree on the potential impact of this missense change (SIFT: "Deleterious"; PolyPhen-2: "Possibly Damaging"; Align-GVGD: "Class C0"). In summary, the available evidence is currently insufficient to determine the role of this variant in disease. Therefore, it has been classified as a Variant of Uncertain Significance.

NM_006206.6(PDGFRA):c.3209T>A (p.Ile1070Asn)

Gene: PDGFRA (platelet derived growth factor receptor alpha; plus strand). Cytogenetic location: 4q12.
Variant type: single nucleotide variant.
Coding change: c.3209T>A on transcript NM_006206.6 (MANE Select); coding-DNA position 3209, T replaced by A.
Protein change: p.Ile1070Asn; replaces isoleucine 1070 with asparagine.
Molecular consequence: missense variant.
Genome position (GRCh38, 1-based): chr4:54,295,211, T>A. VCF-style: chr4-54295211-T-A. GRCh37 (hg19) VCF-style: chr4-55161378-T-A.
Other names: c.3284T>A, p.Ile1095Asn (NM_001347828.2); c.3209T>A, p.Ile1070Asn (NM_001347829.2); c.3248T>A, p.Ile1083Asn (NM_001347830.2); short protein forms I1070N, I1083N, I1095N.
Identifiers: ClinVar variation 1720325 (VCV001720325.6), dbSNP rs1724823953, ClinGen allele CA356896632.